The following is an entry in ClinVar:

ClinVar aggregate classification (germline): Uncertain significance. Review status: criteria provided, multiple submitters, no conflicts (2 of 4 stars). 2 submissions from 2 submitters: Uncertain significance (2). Last evaluated 2024-07-29.

Conditions:
Hereditary cancer-predisposing syndrome. Also called: Tumor predisposition; Neoplastic Syndromes, Hereditary; Hereditary neoplastic syndrome; Hereditary Cancer Syndrome. Identifiers: Orphanet 140162, MedGen C0027672, MeSH D009386, MONDO:0015356.

Submissions (2):

Labcorp Genetics (formerly Invitae), Labcorp
Classification: Uncertain significance. Last evaluated: 2024-07-29. Review status: criteria provided, single submitter. Criteria: Invitae Variant Classification Sherloc (09022015). Collection method: clinical testing. Allele origin: germline.
Comment: This sequence change replaces leucine, which is neutral and non-polar, with phenylalanine, which is neutral and non-polar, at codon 1671 of the POLE protein (p.Leu1671Phe). This variant is not present in population databases (gnomAD no frequency). This variant has not been reported in the literature in individuals affected with POLE-related conditions. ClinVar contains an entry for this variant (Variation ID: 1020576). Advanced modeling of protein sequence and biophysical properties (such as structural, functional, and spatial information, amino acid conservation, physicochemical variation, residue mobility, and thermodynamic stability) has been performed at Invitae for this missense variant, however the output from this modeling did not meet the statistical confidence thresholds required to predict the impact of this variant on POLE protein function. In summary, the available evidence is currently insufficient to determine the role of this variant in disease. Therefore, it has been classified as a Variant of Uncertain Significance.

Ambry Genetics
Classification: Uncertain significance for Hereditary cancer-predisposing syndrome. Last evaluated: 2024-04-11. Review status: criteria provided, single submitter. Criteria: Ambry Variant Classification Scheme 2023. Collection method: clinical testing. Allele origin: germline.
Comment: The p.L1671F variant (also known as c.5011C>T), located in coding exon 38 of the POLE gene, results from a C to T substitution at nucleotide position 5011. The leucine at codon 1671 is replaced by phenylalanine, an amino acid with highly similar properties. This amino acid position is conserved. In addition, the in silico prediction for this alteration is inconclusive. Based on the available evidence, the clinical significance of this variant remains unclear.

NM_006231.4(POLE):c.5011C>T (p.Leu1671Phe)

Gene: POLE (DNA polymerase epsilon, catalytic subunit; minus strand). Cytogenetic location: 12q24.33.
Variant type: single nucleotide variant.
Coding change: c.5011C>T on transcript NM_006231.4 (MANE Select); coding-DNA position 5011, C replaced by T.
Protein change: p.Leu1671Phe; replaces leucine 1671 with phenylalanine.
Molecular consequence: missense variant.
Genome position (GRCh38, 1-based): chr12:132,642,339, G>A on the plus strand (C>T on the coding strand, the complement: POLE is on the minus strand). VCF-style: chr12-132642339-G-A. GRCh37 (hg19) VCF-style: chr12-133218925-G-A.
Other names: c.5011C>T (NM_006231.2); short protein forms L1671F.
Identifiers: ClinVar variation 1020576 (VCV001020576.8), dbSNP rs2042164674, ClinGen allele CA387377385.